The following is an entry in ClinVar:

ClinVar aggregate classification (germline): Uncertain significance (1 of 4 stars; one submission).

Conditions:
Dilated cardiomyopathy 1G (CMD1G). Identifiers: Orphanet 154, MedGen C1858763, MONDO:0011400, OMIM 604145.
Autosomal recessive limb-girdle muscular dystrophy type 2J (LGMDR10). Also called: Limb-girdle muscular dystrophy, type 2J; MUSCULAR DYSTROPHY, LIMB-GIRDLE, AUTOSOMAL RECESSIVE 10. Identifiers: Orphanet 140922, MedGen C1837342, MONDO:0012127, OMIM 608807.

Submission:

Labcorp Genetics (formerly Invitae), Labcorp
Classification: Uncertain significance for Dilated cardiomyopathy 1G; Autosomal recessive limb-girdle muscular dystrophy type 2J. Last evaluated: 2019-10-11. Review status: criteria provided, single submitter. Criteria: Invitae Variant Classification Sherloc (09022015). Collection method: clinical testing. Allele origin: germline.
Comment: Algorithms developed to predict the effect of missense changes on protein structure and function are unavailable for the TTN gene. This variant is located in the M band of TTN (PMID: 25589632). Variants in this region may be relevant for neuromuscular disorders, but have not been definitively shown to cause cardiomyopathy (PMID: 23975875). In summary, the available evidence is currently insufficient to determine the role of this variant in disease. Therefore, it has been classified as a Variant of Uncertain Significance. This variant has not been reported in the literature in individuals with TTN-related conditions. This variant is not present in population databases (ExAC no frequency). This sequence change replaces serine with arginine at codon 31730 of the TTN protein (p.Ser31730Arg). There is a moderate physicochemical difference between serine and arginine.

Literature cited by the submitters: PubMed 25589632; PubMed 23975875.

NM_001267550.2(TTN):c.95190C>A (p.Ser31730Arg)

Genes: TTN-AS1 (TTN antisense RNA 1; plus strand), TTN (titin; minus strand). Cytogenetic location: 2q31.2.
Variant type: single nucleotide variant.
Coding change: c.95190C>A on transcript NM_001267550.2 (MANE Select); coding-DNA position 95190, C replaced by A.
Protein change: p.Ser31730Arg; replaces serine 31730 with arginine.
Molecular consequence: missense variant.
Genome position (GRCh38, 1-based): chr2:178,546,046, G>T on the plus strand (C>A on the coding strand, the complement: TTN is on the minus strand). VCF-style: chr2-178546046-G-T. GRCh37 (hg19) VCF-style: chr2-179410773-G-T.
Other names: c.90267C>A, p.Ser30089Arg (NM_001256850.1); c.67995C>A, p.Ser22665Arg (NM_003319.4); c.87486C>A, p.Ser29162Arg (NM_133378.4); c.68370C>A, p.Ser22790Arg (NM_133432.3); c.68571C>A, p.Ser22857Arg (NM_133437.4); short protein forms S22857R, S29162R, S30089R, S22665R, S31730R, S22790R.
Identifiers: ClinVar variation 970219 (VCV000970219.8), dbSNP rs1696951026, ClinGen allele CA349464183.